The following is an entry in ClinVar:

ClinVar aggregate classification (germline): Uncertain significance. Review status: criteria provided, multiple submitters, no conflicts (2 of 4 stars). 2 submissions from 2 submitters: Uncertain significance (2). Last evaluated 2024-07-14.

Conditions:
Inborn genetic diseases. Identifiers: MedGen C0950123, MeSH D030342.
Dyskeratosis congenita, autosomal dominant 6 (DKCA6). Identifiers: Orphanet 3322, MedGen C4225284, MONDO:0014690, OMIM 616553.

Allele frequency attached by ClinVar (database versions not stated): TOPMed below 0.00001; gnomAD exomes 0.00001.

Submissions (2):

Ambry Genetics
Classification: Uncertain significance for Inborn genetic diseases. Last evaluated: 2024-07-14. Review status: criteria provided, single submitter. Criteria: Ambry Variant Classification Scheme 2023. Collection method: clinical testing. Allele origin: germline.
Comment: The p.P338L variant (also known as c.1013C>T), located in coding exon 9 of the ACD gene, results from a C to T substitution at nucleotide position 1013. The proline at codon 338 is replaced by leucine, an amino acid with similar properties. This amino acid position is conserved. In addition, this alteration is predicted to be tolerated by in silico analysis. Since supporting evidence is limited at this time, the clinical significance of this alteration remains unclear.

Labcorp Genetics (formerly Invitae), Labcorp
Classification: Uncertain significance for Dyskeratosis congenita, autosomal dominant 6. Last evaluated: 2024-07-12. Review status: criteria provided, single submitter. Criteria: Invitae Variant Classification Sherloc (09022015). Collection method: clinical testing. Allele origin: germline.
Comment: This sequence change replaces proline, which is neutral and non-polar, with leucine, which is neutral and non-polar, at codon 338 of the ACD protein (p.Pro338Leu). This variant is not present in population databases (gnomAD no frequency). This variant has not been reported in the literature in individuals affected with ACD-related conditions. ClinVar contains an entry for this variant (Variation ID: 1736499). Advanced modeling of protein sequence and biophysical properties (such as structural, functional, and spatial information, amino acid conservation, physicochemical variation, residue mobility, and thermodynamic stability) performed at Invitae indicates that this missense variant is not expected to disrupt ACD protein function with a negative predictive value of 80%. In summary, the available evidence is currently insufficient to determine the role of this variant in disease. Therefore, it has been classified as a Variant of Uncertain Significance.

NM_001082486.2(ACD):c.755C>T (p.Pro252Leu)

Gene: ACD (ACD shelterin complex subunit and telomerase recruitment factor; minus strand). Cytogenetic location: 16q22.1.
Variant type: single nucleotide variant.
Coding change: c.755C>T on transcript NM_001082486.2 (MANE Select); coding-DNA position 755, C replaced by T.
Protein change: p.Pro252Leu; replaces proline 252 with leucine.
Molecular consequence: missense variant.
Genome position (GRCh38, 1-based): chr16:67,658,629, G>A on the plus strand (C>T on the coding strand, the complement: ACD is on the minus strand). VCF-style: chr16-67658629-G-A. GRCh37 (hg19) VCF-style: chr16-67692532-G-A.
Other names: c.746C>T, p.Pro249Leu (NM_022914.3); short protein forms P249L, P252L.
Identifiers: ClinVar variation 1736499 (VCV001736499.5), dbSNP rs2052926797, ClinGen allele CA396353336.